The following is an entry in ClinVar:

NM_201384.3(PLEC):c.4745G>A (p.Arg1582His)

Gene: PLEC (plectin; minus strand). Cytogenetic location: 8q24.3.
Variant type: single nucleotide variant.
Coding change: c.4745G>A on transcript NM_201384.3 (MANE Select); coding-DNA position 4745, G replaced by A.
Protein change: p.Arg1582His; replaces arginine 1582 with histidine.
Molecular consequence: missense variant.
Genome position (GRCh38, 1-based): chr8:143,925,184, C>T on the plus strand (G>A on the coding strand, the complement: PLEC is on the minus strand). VCF-style: chr8-143925184-C-T. GRCh37 (hg19) VCF-style: chr8-144999352-C-T.
Other names: c.4826G>A, p.Arg1609His (NM_000445.5); c.4703G>A, p.Arg1568His (NM_201378.4); c.4679G>A, p.Arg1560His (NM_201379.3); c.5156G>A, p.Arg1719His (NM_201380.4); c.4649G>A, p.Arg1550His (NM_201381.3); c.4745G>A, p.Arg1582His (NM_201382.4); c.4757G>A, p.Arg1586His (NM_201383.3); c.4826G>A (NM_000445.3); short protein forms R1560H, R1586H, R1609H, R1550H, R1568H, R1582H, R1719H.
Identifiers: ClinVar variation 283969 (VCV000283969.17), dbSNP rs781876093, ClinGen allele CA4926552.

ClinVar aggregate classification (germline): Uncertain significance. Review status: criteria provided, multiple submitters, no conflicts (2 of 4 stars). 6 submissions from 6 submitters: Uncertain significance (6). Last evaluated 2025-09-15.

Conditions:
PLEC-related disorder. Also called: PLEC-related condition; PLEC-related disorders.
Epidermolysis bullosa simplex 5C, with pyloric atresia (EBS5C). Also called: PLEC-Related Epidermolysis Bullosa with Pyloric Atresia; Epidermolysis bullosa simplex with pyloric atresia; PLEC1-Related Epidermolysis Bullosa with Pyloric Atresia. Identifiers: Orphanet 158684, MedGen C2677349, MONDO:0012807, OMIM 612138.
Epidermolysis bullosa simplex with nail dystrophy (EBS5D). Identifiers: MedGen C4225309, MONDO:0014661, OMIM 616487.
Autosomal recessive limb-girdle muscular dystrophy type 2Q (LGMDR17). Also called: MUSCULAR DYSTROPHY, LIMB-GIRDLE, AUTOSOMAL RECESSIVE 17. Identifiers: Orphanet 254361, MedGen C3150989, MONDO:0013390, OMIM 613723.
Epidermolysis bullosa simplex, Ogna type (EBS5A). Also called: Pidermolysis bullosa simplex 5A, Ogna type; EPIDERMOLYSIS BULLOSA SIMPLEX 5A, OGNA TYPE. Identifiers: Orphanet 79401, MedGen C0432317, MONDO:0007555, OMIM 131950.
Epidermolysis bullosa simplex 5B, with muscular dystrophy (EBS5B). Also called: EPIDERMOLYSIS BULLOSA SIMPLEX AND LIMB-GIRDLE MUSCULAR DYSTROPHY; Epidermolysis bullosa simplex with muscular dystrophy. Identifiers: Orphanet 257, MedGen C2931072, MONDO:0009181, OMIM 226670.
Inborn genetic diseases. Identifiers: MedGen C0950123, MeSH D030342.

Allele frequency attached by ClinVar (database versions not stated): gnomAD exomes 0.00003 and 0.00004; ExAC 0.00006; gnomAD 0.00019 and 0.00022; TOPMed 0.00028.
gnomAD v4.1: 77 of 1,577,100 alleles (0.0049%); highest among the groups gnomAD compares: African/African-American, 0.03%; no homozygotes.

Submissions (6):

Labcorp Genetics (formerly Invitae), Labcorp
Classification: Uncertain significance for Autosomal recessive limb-girdle muscular dystrophy type 2Q; Epidermolysis bullosa simplex, Ogna type; Epidermolysis bullosa simplex with nail dystrophy; Epidermolysis bullosa simplex 5C, with pyloric atresia; Epidermolysis bullosa simplex 5B, with muscular dystrophy. Last evaluated: 2025-09-15. Review status: criteria provided, single submitter. Criteria: Invitae Variant Classification Sherloc (09022015). Collection method: clinical testing. Allele origin: germline.
Comment: This sequence change replaces arginine, which is basic and polar, with histidine, which is basic and polar, at codon 1609 of the PLEC protein (p.Arg1609His). This variant is present in population databases (rs781876093, gnomAD 0.04%). This variant has not been reported in the literature in individuals affected with PLEC-related conditions. ClinVar contains an entry for this variant (Variation ID: 283969). An algorithm developed to predict the effect of missense changes on protein structure and function outputs the following: PolyPhen-2: "Not Available". The histidine amino acid residue is found in multiple mammalian species, which suggests that this missense change does not adversely affect protein function. In summary, the available evidence is currently insufficient to determine the role of this variant in disease. Therefore, it has been classified as a Variant of Uncertain Significance.

PreventionGenetics, part of Exact Sciences
Classification: Uncertain significance for PLEC-related condition. Last evaluated: 2025-08-27. Review status: criteria provided, single submitter. Criteria: ACMG Guidelines, 2015. Collection method: clinical testing. Allele origin: germline.
Comment: The PLEC c.4826G>A variant is predicted to result in the amino acid substitution p.Arg1609His. To our knowledge, this variant has not been reported in the literature. This variant is reported in 0.041% of alleles in individuals of African descent in gnomAD. At this time, the clinical significance of this variant is uncertain due to the absence of conclusive functional and genetic evidence.

Fulgent Genetics
Classification: Uncertain significance for Epidermolysis bullosa simplex, Ogna type; Epidermolysis bullosa simplex 5B, with muscular dystrophy; Epidermolysis bullosa simplex 5C, with pyloric atresia; Autosomal recessive limb-girdle muscular dystrophy type 2Q; Epidermolysis bullosa simplex with nail dystrophy. Last evaluated: 2024-02-01. Review status: criteria provided, single submitter. Criteria: ACMG Guidelines, 2015. Collection method: clinical testing. Allele origin: germline.

Revvity Omics, Revvity
Classification: Uncertain significance. Last evaluated: 2023-01-18. Review status: criteria provided, single submitter. Criteria: ACMG Guidelines, 2015. Collection method: clinical testing. Allele origin: germline.

Ambry Genetics
Classification: Uncertain significance for Inborn genetic diseases. Last evaluated: 2022-09-27. Review status: criteria provided, single submitter. Criteria: Ambry Variant Classification Scheme 2023. Collection method: clinical testing. Allele origin: germline.

Eurofins Ntd Llc (ga)
Classification: Uncertain significance. Last evaluated: 2017-01-09. Review status: criteria provided, single submitter. Criteria: EGL Classification Definitions 2015. Collection method: clinical testing. Allele origin: germline. Observed: 4 variant alleles, 4 heterozygotes.